The following is an entry in ClinVar:

ClinVar aggregate classification (germline): Uncertain significance (1 of 4 stars; one submission).

Conditions:
Glycine encephalopathy. Also called: Nonketotic hyperglycinemia; Non-ketotic hyperglycinemia. Identifiers: Orphanet 407, MedGen C0751748, MONDO:0011612, HP:0008288.

Submission:

Labcorp Genetics (formerly Invitae), Labcorp
Classification: Uncertain significance for Glycine encephalopathy. Last evaluated: 2021-12-08. Review status: criteria provided, single submitter. Criteria: Invitae Variant Classification Sherloc (09022015). Collection method: clinical testing. Allele origin: germline.
Comment: This sequence change replaces alanine, which is neutral and non-polar, with threonine, which is neutral and polar, at codon 47 of the GLDC protein (p.Ala47Thr). This variant is not present in population databases (gnomAD no frequency). This variant has not been reported in the literature in individuals affected with GLDC-related conditions. Advanced modeling of protein sequence and biophysical properties (such as structural, functional, and spatial information, amino acid conservation, physicochemical variation, residue mobility, and thermodynamic stability) performed at Invitae indicates that this missense variant is not expected to disrupt GLDC protein function. In summary, the available evidence is currently insufficient to determine the role of this variant in disease. Therefore, it has been classified as a Variant of Uncertain Significance.

NM_000170.3(GLDC):c.139G>A (p.Ala47Thr)

Gene: GLDC (glycine decarboxylase; minus strand). Cytogenetic location: 9p24.1.
Variant type: single nucleotide variant.
Coding change: c.139G>A on transcript NM_000170.3 (MANE Select); coding-DNA position 139, G replaced by A.
Protein change: p.Ala47Thr; replaces alanine 47 with threonine.
Molecular consequence: missense variant.
Genome position (GRCh38, 1-based): chr9:6,645,361, C>T on the plus strand (G>A on the coding strand, the complement: GLDC is on the minus strand). VCF-style: chr9-6645361-C-T. GRCh37 (hg19) VCF-style: chr9-6645361-C-T.
Other names: short protein forms A47T.
Identifiers: ClinVar variation 2037292 (VCV002037292.4), dbSNP rs2489162621, ClinGen allele CA372886892.